The following is an entry in ClinVar:

ClinVar aggregate classification (germline): Uncertain significance. Review status: criteria provided, multiple submitters, no conflicts (2 of 4 stars). 2 submissions from 2 submitters: Uncertain significance (2). Last evaluated 2023-07-29.

Conditions:
Hereditary cancer-predisposing syndrome. Also called: Hereditary neoplastic syndrome; Tumor predisposition; Hereditary Cancer Syndrome; Neoplastic Syndromes, Hereditary. Identifiers: Orphanet 140162, MedGen C0027672, MeSH D009386, MONDO:0015356.

Submissions (2):

Ambry Genetics
Classification: Uncertain significance for Hereditary cancer-predisposing syndrome. Last evaluated: 2023-07-29. Review status: criteria provided, single submitter. Criteria: Ambry Variant Classification Scheme 2023. Collection method: clinical testing. Allele origin: germline.
Comment: The p.D804N variant (also known as c.2410G>A), located in coding exon 15 of the RAD50 gene, results from a G to A substitution at nucleotide position 2410. The aspartic acid at codon 804 is replaced by asparagine, an amino acid with highly similar properties. This amino acid position is conserved. In addition, this alteration is predicted to be tolerated by in silico analysis. Since supporting evidence is limited at this time, the clinical significance of this alteration remains unclear.

Labcorp Genetics (formerly Invitae), Labcorp
Classification: Uncertain significance for Hereditary cancer-predisposing syndrome. Last evaluated: 2022-11-06. Review status: criteria provided, single submitter. Criteria: Invitae Variant Classification Sherloc (09022015). Collection method: clinical testing. Allele origin: germline.
Comment: In summary, the available evidence is currently insufficient to determine the role of this variant in disease. Therefore, it has been classified as a Variant of Uncertain Significance. Advanced modeling of protein sequence and biophysical properties (such as structural, functional, and spatial information, amino acid conservation, physicochemical variation, residue mobility, and thermodynamic stability) has been performed at Invitae for this missense variant, however the output from this modeling did not meet the statistical confidence thresholds required to predict the impact of this variant on RAD50 protein function. This variant has not been reported in the literature in individuals affected with RAD50-related conditions. This variant is not present in population databases (gnomAD no frequency). This sequence change replaces aspartic acid, which is acidic and polar, with asparagine, which is neutral and polar, at codon 804 of the RAD50 protein (p.Asp804Asn).

NM_005732.4(RAD50):c.2410G>A (p.Asp804Asn)

Gene: RAD50 (RAD50 double strand break repair protein; plus strand). Cytogenetic location: 5q31.1.
Variant type: single nucleotide variant.
Coding change: c.2410G>A on transcript NM_005732.4 (MANE Select); coding-DNA position 2410, G replaced by A.
Protein change: p.Asp804Asn; replaces aspartic acid 804 with asparagine.
Molecular consequence: missense variant.
Genome position (GRCh38, 1-based): chr5:132,603,932, G>A. VCF-style: chr5-132603932-G-A. GRCh37 (hg19) VCF-style: chr5-131939624-G-A.
Other names: short protein forms D804N.
Identifiers: ClinVar variation 2586246 (VCV002586246.5), dbSNP rs2149847234, ClinGen allele CA360955338.